The following is an entry in ClinVar:

NM_001040142.2(SCN2A):c.5407G>T (p.Glu1803Ter)

Gene: SCN2A (sodium voltage-gated channel alpha subunit 2; plus strand). Cytogenetic location: 2q24.3.
Variant type: single nucleotide variant.
Coding change: c.5407G>T on transcript NM_001040142.2 (MANE Select); coding-DNA position 5407, G replaced by T.
Protein change: p.Glu1803Ter; replaces glutamic acid 1803 with a stop codon.
Molecular consequence: nonsense.
Genome position (GRCh38, 1-based): chr2:165,389,213, G>T. VCF-style: chr2-165389213-G-T. GRCh37 (hg19) VCF-style: chr2-166245723-G-T.
Other names: c.5407G>T, p.Glu1803Ter (NM_001040143.2, NM_001371246.1, NM_001371247.1 and 1 more transcripts); short protein forms E1803*.
Identifiers: ClinVar variation 2060907 (VCV002060907.4), dbSNP rs1553463635, ClinGen allele CA349038914.
Genomic context (GRCh38, chr2:165,389,213, plus strand): 5'-ACTGAAGAAAGTGCAGAGCCTCTGAGTGAGGATGACTTTGAGATGTTCTATGAGGTTTGG[G>T]AGAAGTTTGATCCCGATGCGACCCAGTTTATAGAGTTTGCCAAACTTTCTGATTTTGCAG-3'

ClinVar aggregate classification (germline): Pathogenic (1 of 4 stars; one submission).

Conditions:
Developmental and epileptic encephalopathy, 11 (DEE11). Also called: Early infantile epileptic encephalopathy 11. Identifiers: Orphanet 1934, MedGen C3150987, MONDO:0013388, OMIM 613721.
Seizures, benign familial infantile, 3 (BFIS3). Also called: Familial neonatal seizures; CONVULSIONS, BENIGN FAMILIAL INFANTILE, 3. Identifiers: Orphanet 140927, Orphanet 306, MedGen C1843140, MONDO:0011904, OMIM 607745.

Submission:

Labcorp Genetics (formerly Invitae), Labcorp
Classification: Pathogenic for Seizures, benign familial infantile, 3; Developmental and epileptic encephalopathy, 11. Last evaluated: 2022-07-05. Review status: criteria provided, single submitter. Criteria: Invitae Variant Classification Sherloc (09022015). Collection method: clinical testing. Allele origin: germline.
Comment: This sequence change creates a premature translational stop signal (p.Glu1803*) in the SCN2A gene. While this is not anticipated to result in nonsense mediated decay, it is expected to disrupt the last 203 amino acid(s) of the SCN2A protein. This variant is not present in population databases (gnomAD no frequency). This variant has not been reported in the literature in individuals affected with SCN2A-related conditions. This variant disrupts a region of the SCN2A protein in which other variant(s) (p.Lys1890Asn) have been determined to be pathogenic (Invitae). This suggests that this is a clinically significant region of the protein, and that variants that disrupt it are likely to be disease-causing. For these reasons, this variant has been classified as Pathogenic.